The following is an entry in ClinVar:

ClinVar aggregate classification (germline): Likely pathogenic (1 of 4 stars; one submission).

Submission:

GeneDx
Classification: Likely pathogenic. Last evaluated: 2018-07-31. Review status: criteria provided, single submitter. Criteria: GeneDx Variant Classification (06012015). Collection method: clinical testing. Allele origin: germline. Affected: yes.
Comment: The c.350dupC variant in the BAG3 gene has not been reported previously as a pathogenic variant nor as a benign variant, to our knowledge. The c.350dupC variant causes a frameshift starting with codon Glycine 118, changes this amino acid to a Tryptophan residue, and creates a premature Stop codon at position 8 of the new reading frame, denoted p.Gly118TrpfsX8. This variant is predicted to cause loss of normal protein function either through protein truncation or nonsense-mediated mRNA decay. The c.350dupC variant was not observed in approximately 6500 individuals of European and African American ancestry in the NHLBI Exome Sequencing Project, indicating it is not a common benign variant in these populations. The c.350dupC variant is a strong candidate for a pathogenic variant

NM_004281.4(BAG3):c.350dup (p.Gly118fs)

Gene: BAG3 (BAG cochaperone 3; plus strand). Cytogenetic location: 10q26.11.
Variant type: Duplication.
Coding change: c.350dup on transcript NM_004281.4 (MANE Select); coding-DNA position 350, one base duplicated (C; older notation c.350dupC).
Protein change: p.Gly118fs; shifts the reading frame from glycine 118.
Molecular consequence: frameshift variant.
Genome position (GRCh38, 1-based): chr10:119,670,020, C duplicated; the last of 2 consecutive C bases (chr10:119,670,019-119,670,020); duplicating either gives the same sequence. VCF-style (leftmost placement, unchanged base first): chr10-119670018-G-GC. GRCh37 (hg19) VCF-style: chr10-121429530-G-GC.
Other names: c.350dupC (NM_004281.3); short protein forms G118fs.
Identifiers: ClinVar variation 422326 (VCV000422326.2), dbSNP rs1554877037, ClinGen allele CA16618933.
Genomic context (GRCh38, chr10:119,670,018, plus strand): 5'-TCCTGTGCTCCATGAAGGCGCTGAGAACCGGCAGGTGCACCCTTTCCATGTCTATCCCCA[G>GC]CCTGGGATGCAGCGATTCCGAACTGAGGCGGCAGCAGCGGCTCCTCAGAGGTCCCAGTCA-3'